The following is an entry in ClinVar:

ClinVar aggregate classification (germline): Uncertain significance. Review status: criteria provided, multiple submitters, no conflicts (2 of 4 stars). 3 submissions from 3 submitters: Uncertain significance (3). Last evaluated 2025-04-14.

Allele frequency attached by ClinVar (database versions not stated): TOPMed 0.00002; ExAC 0.00003; gnomAD exomes 0.00003; ESP Exome Variant Server 0.00015.
gnomAD v4.1: 60 of 1,613,000 alleles (0.0037%); highest among the groups gnomAD compares: Non-Finnish European, 0.004%; no homozygotes.

Submissions (3):

Labcorp Genetics (formerly Invitae), Labcorp
Classification: Uncertain significance. Last evaluated: 2025-04-14. Review status: criteria provided, single submitter. Criteria: Invitae Variant Classification Sherloc (09022015). Collection method: clinical testing. Allele origin: germline.
Comment: This sequence change replaces proline, which is neutral and non-polar, with leucine, which is neutral and non-polar, at codon 535 of the RECQL protein (p.Pro535Leu). This variant is present in population databases (rs144775194, gnomAD 0.007%). This variant has not been reported in the literature in individuals affected with RECQL-related conditions. ClinVar contains an entry for this variant (Variation ID: 1343932). Invitae Evidence Modeling of protein sequence and biophysical properties (such as structural, functional, and spatial information, amino acid conservation, physicochemical variation, residue mobility, and thermodynamic stability) indicates that this missense variant is not expected to disrupt RECQL protein function with a negative predictive value of 80%. In summary, the available evidence is currently insufficient to determine the role of this variant in disease. Therefore, it has been classified as a Variant of Uncertain Significance.

GeneDx
Classification: Uncertain significance. Last evaluated: 2025-02-21. Review status: criteria provided, single submitter. Criteria: GeneDx Variant Classification Process June 2021. Collection method: clinical testing. Allele origin: germline. Affected: yes.
Comment: In silico analysis supports that this missense variant has a deleterious effect on protein structure/function; Has not been previously published as pathogenic or benign to our knowledge; Variants in candidate genes are classified as variants of uncertain significance in accordance with ACMG guidelines (PMID: 25741868); This variant is associated with the following publications: (PMID: 27248010, 19151156)

Ambry Genetics
Classification: Uncertain significance. Last evaluated: 2024-12-17. Review status: criteria provided, single submitter. Criteria: Ambry Variant Classification Scheme 2023. Collection method: clinical testing. Allele origin: germline.
Comment: The p.P535L variant (also known as c.1604C>T), located in coding exon 12 of the RECQL gene, results from a C to T substitution at nucleotide position 1604. The proline at codon 535 is replaced by leucine, an amino acid with similar properties. This amino acid position is well conserved in available vertebrate species. In addition, the in silico prediction for this alteration is inconclusive. Since supporting evidence is limited at this time, the clinical significance of this alteration remains unclear.

NM_002907.4(RECQL):c.1604C>T (p.Pro535Leu)

Gene: RECQL (RecQ like helicase; minus strand). Cytogenetic location: 12p12.1.
Variant type: single nucleotide variant.
Coding change: c.1604C>T on transcript NM_002907.4 (MANE Select); coding-DNA position 1604, C replaced by T.
Protein change: p.Pro535Leu; replaces proline 535 with leucine.
Molecular consequence: missense variant.
Genome position (GRCh38, 1-based): chr12:21,471,491, G>A on the plus strand (C>T on the coding strand, the complement: RECQL is on the minus strand). VCF-style: chr12-21471491-G-A. GRCh37 (hg19) VCF-style: chr12-21624425-G-A.
Other names: c.1604C>T, p.Pro535Leu (NM_032941.3); short protein forms P535L.
Identifiers: ClinVar variation 1343932 (VCV001343932.13), dbSNP rs144775194, ClinGen allele CA6478713.